The following is an entry in ClinVar:

ClinVar aggregate classification (germline): Pathogenic (1 of 4 stars; one submission).

Conditions:
Cone-rod dystrophy 2 (CORD2). Also called: CONE-ROD RETINAL DYSTROPHY; Cone-rod retinal dystrophy 2. Identifiers: Orphanet 1872, MedGen C3489532, MONDO:0007362, OMIM 120970.
Leber congenital amaurosis 7 (LCA7). Identifiers: Orphanet 65, MedGen C3151192, MONDO:0013449, OMIM 613829.

Submission:

Labcorp Genetics (formerly Invitae), Labcorp
Classification: Pathogenic for Cone-rod dystrophy 2; Leber congenital amaurosis 7. Last evaluated: 2024-05-31. Review status: criteria provided, single submitter. Criteria: Invitae Variant Classification Sherloc (09022015). Collection method: clinical testing. Allele origin: germline.
Comment: This sequence change creates a premature translational stop signal (p.Tyr32Thrfs*43) in the CRX gene. While this is not anticipated to result in nonsense mediated decay, it is expected to disrupt the last 268 amino acid(s) of the CRX protein. This variant is not present in population databases (gnomAD no frequency). This variant has not been reported in the literature in individuals affected with CRX-related conditions. This variant disrupts a region of the CRX protein in which other variant(s) (p.Tyr258*) have been determined to be pathogenic (PMID: 22968130, 25270190). This suggests that this is a clinically significant region of the protein, and that variants that disrupt it are likely to be disease-causing. For these reasons, this variant has been classified as Pathogenic.

Literature cited by the submitters: PubMed 22968130; PubMed 25270190.

NM_000554.6(CRX):c.93del (p.Tyr32fs)

Gene: CRX (cone-rod homeobox; plus strand). Cytogenetic location: 19q13.33.
Variant type: Deletion.
Coding change: c.93del on transcript NM_000554.6 (MANE Select); coding-DNA position 93, one base deleted (C; older notation c.93delC).
Protein change: p.Tyr32fs; shifts the reading frame from tyrosine 32.
Molecular consequence: frameshift variant.
Genome position (GRCh38, 1-based): chr19:47,834,536, C deleted; the last of 3 consecutive C bases (chr19:47,834,534-47,834,536); deleting any one gives the same sequence. VCF-style (leftmost placement, unchanged base first): chr19-47834533-GC-G. GRCh37 (hg19) VCF-style: chr19-48337790-GC-G.
Other names: short protein forms Y32fs.
Identifiers: ClinVar variation 3756623 (VCV003756623.2).